The following is an entry in ClinVar:

NM_002755.4(MAP2K1):c.187C>T (p.Leu63=)

Gene: MAP2K1 (mitogen-activated protein kinase kinase 1; plus strand). Cytogenetic location: 15q22.31.
Variant type: single nucleotide variant.
Coding change: c.187C>T on transcript NM_002755.4 (MANE Select); coding-DNA position 187, C replaced by T.
Protein change: p.Leu63=; no amino-acid change (leucine 63 retained).
Molecular consequence: synonymous variant.
Genome position (GRCh38, 1-based): chr15:66,435,133, C>T. VCF-style: chr15-66435133-C-T. GRCh37 (hg19) VCF-style: chr15-66727471-C-T.
Other names: c.121C>T, p.Leu41= (NM_001411065.1).
Identifiers: ClinVar variation 2645469 (VCV002645469.24), dbSNP rs2093484385, ClinGen allele CA490855965.

ClinVar aggregate classification (germline): Likely benign (1 of 4 stars; one submission).

Allele frequency attached by ClinVar (database versions not stated): gnomAD exomes below 0.00001; gnomAD 0.00001.
gnomAD v4.1: 2 of 1,613,966 alleles (0.00012%); highest among the groups gnomAD compares: South Asian, 0.0022%; no homozygotes.

Submission:

CeGaT Center for Human Genetics Tuebingen
Classification: Likely benign. Last evaluated: 2023-02-01. Review status: criteria provided, single submitter. Criteria: CeGaT Center For Human Genetics Tuebingen Variant Classification Criteria Version 2. Collection method: clinical testing. Allele origin: germline. Affected: yes. Observed: 1 variant allele.
Comment: MAP2K1: BP4, BP7